The following is an entry in ClinVar:

ClinVar aggregate classification (germline): Uncertain significance (1 of 4 stars; one submission).

Conditions:
Cardiovascular phenotype. Identifiers: MedGen CN230736.

Allele frequency attached by ClinVar (database versions not stated): gnomAD 0.00003; gnomAD exomes 0.00003; ExAC 0.00004; ESP Exome Variant Server 0.00008; 1000 Genomes Project 30x 0.00047; 1000 Genomes Project 0.00060.
gnomAD v4.1: 44 of 1,614,004 alleles (0.0027%); highest among the groups gnomAD compares: South Asian, 0.027%; 1 homozygote.

Submission:

Ambry Genetics
Classification: Uncertain significance for Cardiovascular phenotype. Last evaluated: 2025-08-12. Review status: criteria provided, single submitter. Criteria: Ambry Variant Classification Scheme 2023. Collection method: clinical testing. Allele origin: germline.
Comment: The p.R1559Q variant (also known as c.4676G>A), located in coding exon 33 of the LAMA4 gene, results from a G to A substitution at nucleotide position 4676. The arginine at codon 1559 is replaced by glutamine, an amino acid with highly similar properties. This amino acid position is highly conserved in available vertebrate species. In addition, the in silico prediction for this alteration is inconclusive. The evidence for this gene-disease relationship is limited; therefore, the clinical significance of this alteration is unclear.

NM_001105206.3(LAMA4):c.4697G>A (p.Arg1566Gln)

Gene: LAMA4 (laminin subunit alpha 4; minus strand). Cytogenetic location: 6q21.
Variant type: single nucleotide variant.
Coding change: c.4697G>A on transcript NM_001105206.3 (MANE Select); coding-DNA position 4697, G replaced by A.
Protein change: p.Arg1566Gln; replaces arginine 1566 with glutamine.
Molecular consequence: missense variant.
Genome position (GRCh38, 1-based): chr6:112,119,280, C>T on the plus strand (G>A on the coding strand, the complement: LAMA4 is on the minus strand). VCF-style: chr6-112119280-C-T. GRCh37 (hg19) VCF-style: chr6-112440483-C-T.
Other names: c.4676G>A, p.Arg1559Gln (NM_001105207.3, NM_002290.5); short protein forms R1566Q, R1559Q.
Identifiers: ClinVar variation 2625040 (VCV002625040.3), dbSNP rs201641981, ClinGen allele CA3964923.